The following is an entry in ClinVar:

ClinVar aggregate classification (germline): Benign. Review status: criteria provided, multiple submitters, no conflicts (2 of 4 stars). 8 submissions from 6 submitters: Benign (8). Last evaluated 2022-05-05.

Conditions:
Joubert syndrome 9 (JBTS9). Identifiers: Orphanet 2318, MedGen C2676788, MONDO:0012849, OMIM 612285.
Meckel syndrome, type 6. Identifiers: Orphanet 564, MedGen C2676790, MONDO:0012848, OMIM 612284.

Allele frequency attached by ClinVar (database versions not stated): TOPMed 0.56592; 1000 Genomes Project 0.56689; 1000 Genomes Project 30x 0.56808; gnomAD 0.57021 and 0.57185; ESP Exome Variant Server 0.58095; ExAC 0.60532.
gnomAD v4.1: 815,367 of 1,397,134 alleles (58%); highest among the groups gnomAD compares: South Asian, 65%; 239,041 homozygotes.

Submissions (12):

Mayo Clinic Laboratories, Mayo Clinic
Classification: Benign. Last evaluated: 2022-05-05. Review status: criteria provided, single submitter. Criteria: ACMG Guidelines, 2015. Collection method: clinical testing. Allele origin: germline. Observed: 427 variant alleles.

Genome-Nilou Lab
Classification: Benign for Joubert syndrome 9. Last evaluated: 2021-07-14. Review status: criteria provided, single submitter. Criteria: ACMG Guidelines, 2015. Collection method: clinical testing. Allele origin: germline. Affected: no.

Genome-Nilou Lab
Classification: Benign for Meckel syndrome, type 6. Last evaluated: 2021-07-14. Review status: criteria provided, single submitter. Criteria: ACMG Guidelines, 2015. Collection method: clinical testing. Allele origin: germline. Affected: no.

GeneDx
Classification: Benign. Last evaluated: 2018-06-26. Review status: criteria provided, single submitter. Criteria: GeneDx Variant Classification Process June 2021. Collection method: clinical testing. Allele origin: germline. Affected: yes.

Illumina Laboratory Services, Illumina
Classification: Benign for Joubert syndrome 9. Last evaluated: 2018-01-13. Review status: criteria provided, single submitter. Criteria: ICSL Variant Classification Criteria 13 December 2019. Collection method: clinical testing. Allele origin: germline.
Comment: This variant was observed in the ICSL laboratory as part of a predisposition screen in an ostensibly healthy population. It had not been previously curated by ICSL or reported in the Human Gene Mutation Database (HGMD: prior to June 1st, 2018), and was therefore a candidate for classification through an automated scoring system. Utilizing variant allele frequency, disease prevalence and penetrance estimates, and inheritance mode, an automated score was calculated to assess if this variant is too frequent to cause the disease. Based on the score and internal cut-off values, a variant classified as benign is not then subjected to further curation. The score for this variant resulted in a classification of benign for this disease.

Illumina Laboratory Services, Illumina
Classification: Benign for Meckel syndrome, type 6. Last evaluated: 2018-01-13. Review status: criteria provided, single submitter. Criteria: ICSL Variant Classification Criteria 13 December 2019. Collection method: clinical testing. Allele origin: germline.
Comment: the same text as in the submission from Illumina Laboratory Services, Illumina above.

Breakthrough Genomics
Classification: Benign. Review status: criteria provided, single submitter. Criteria: ACMG Guidelines, 2015. Collection method: not provided. Allele origin: germline. Inheritance: Autosomal recessive inheritance. Affected: yes.

PreventionGenetics, part of Exact Sciences
Classification: Benign. Review status: criteria provided, single submitter. Criteria: ACMG Guidelines, 2015. Collection method: clinical testing. Allele origin: germline.

Dr. Peter K. Rogan Lab, Western University
No classification provided (evidence only). Condition: Glioma susceptibility 1. Review status: no classification provided. Collection method: in vitro. Allele origin: not applicable. Functional consequence: retained intron. Not counted in ClinVar's aggregate classification.

Dr. Peter K. Rogan Lab, Western University
No classification provided (evidence only). Condition: Uveal melanoma. Review status: no classification provided. Collection method: in vitro. Allele origin: not applicable. Functional consequence: retained intron. Not counted in ClinVar's aggregate classification.

Dr. Peter K. Rogan Lab, Western University
No classification provided (evidence only). Condition: Uveal melanoma. Review status: no classification provided. Collection method: in vitro. Allele origin: not applicable. Functional consequence: retained intron. Not counted in ClinVar's aggregate classification.

Dr. Peter K. Rogan Lab, Western University
No classification provided (evidence only). Condition: Uveal melanoma. Review status: no classification provided. Collection method: in vitro. Allele origin: not applicable. Functional consequence: retained intron. Not counted in ClinVar's aggregate classification.

NM_001378615.1(CC2D2A):c.*21G>C

Genes: CC2D2A (coiled-coil and C2 domain containing 2A; plus strand), FBXL5 (F-box and leucine rich repeat protein 5; minus strand). Cytogenetic location: 4p15.32.
Variant type: single nucleotide variant.
Coding change: c.*21G>C on transcript NM_001378615.1 (MANE Select); 21 bases downstream of the stop codon, G replaced by C.
Molecular consequence: 3 prime UTR variant.
Genome position (GRCh38, 1-based): chr4:15,601,446, G>C. VCF-style: chr4-15601446-G-C. GRCh37 (hg19) VCF-style: chr4-15603069-G-C.
Other names: NC_000004.11:g.15603069G>C; c.*21G>C (NM_001080522.2, NM_001378617.1).
Identifiers: ClinVar variation 257382 (VCV000257382.14), dbSNP rs1134634, ClinGen allele CA2864497.